The following is an entry in ClinVar:

NM_001365999.1(SZT2):c.1948T>A (p.Phe650Ile)

Gene: SZT2 (SZT2 subunit of KICSTOR complex; plus strand). Cytogenetic location: 1p34.2.
Variant type: single nucleotide variant.
Coding change: c.1948T>A on transcript NM_001365999.1 (MANE Select); coding-DNA position 1948, T replaced by A.
Protein change: p.Phe650Ile; replaces phenylalanine 650 with isoleucine.
Molecular consequence: missense variant.
Genome position (GRCh38, 1-based): chr1:43,422,794, T>A. VCF-style: chr1-43422794-T-A. GRCh37 (hg19) VCF-style: chr1-43888465-T-A.
Other names: c.1948T>A, p.Phe650Ile (NM_015284.4); short protein forms F650I.
Identifiers: ClinVar variation 949655 (VCV000949655.9), dbSNP rs1652564546, ClinGen allele CA340010541.

ClinVar aggregate classification (germline): Uncertain significance (1 of 4 stars; one submission).

Submission:

Labcorp Genetics (formerly Invitae), Labcorp
Classification: Uncertain significance. Last evaluated: 2019-04-18. Review status: criteria provided, single submitter. Criteria: Invitae Variant Classification Sherloc (09022015). Collection method: clinical testing. Allele origin: germline.
Comment: This sequence change replaces phenylalanine with isoleucine at codon 650 of the SZT2 protein (p.Phe650Ile). The phenylalanine residue is weakly conserved and there is a small physicochemical difference between phenylalanine and isoleucine. This variant is not present in population databases (ExAC no frequency). This variant has not been reported in the literature in individuals with SZT2-related conditions. Algorithms developed to predict the effect of missense changes on protein structure and function are either unavailable or do not agree on the potential impact of this missense change (SIFT: "Deleterious"; PolyPhen-2: "Probably Damaging"; Align-GVGD: "Class C0"). In summary, the available evidence is currently insufficient to determine the role of this variant in disease. Therefore, it has been classified as a Variant of Uncertain Significance.